The following is an entry in ClinVar:

NM_023036.6(DNAI2):c.246_250del (p.Lys83fs)

Gene: DNAI2 (dynein axonemal intermediate chain 2; plus strand). Cytogenetic location: 17q25.1.
Variant type: Deletion.
Coding change: c.246_250del on transcript NM_023036.6 (MANE Select); coding-DNA positions 246 to 250, 5 bases deleted (CAAGG; older notation c.246_250delCAAGG).
Protein change: p.Lys83fs; shifts the reading frame from lysine 83.
Molecular consequence: frameshift variant. On other transcripts: non-coding transcript variant (1).
Genome position (GRCh38, 1-based): chr17:74,285,102-74,285,106, CAAGG deleted. VCF-style (leftmost placement, unchanged base first): chr17-74285101-CCAAGG-C. GRCh37 (hg19) VCF-style: chr17-72281240-CCAAGG-C.
Other names: c.246_250del, p.Lys83fs (NM_001172810.3, NM_001353167.2); short protein forms K83fs.
Identifiers: ClinVar variation 1434928 (VCV001434928.6), dbSNP rs2143903171, ClinGen allele CA2573154805.
Genomic context (GRCh38, chr17:74,285,101, plus strand): 5'-CCAACTCAGAGCGGTTTGAGATGGAGACCCGGGGAGTTAACCATGTCGAGGGGGGCTGGC[CCAAGG>C]ACGTGAACCCCCTGGAGCTGGAGCAGACCATCCGTTTCCGGAAGAAAGTGGAGAAAGATG-3'

ClinVar aggregate classification (germline): Pathogenic (1 of 4 stars; one submission).

Conditions:
Primary ciliary dyskinesia. Also called: Ciliary dyskinesia. Identifiers: Orphanet 244, MedGen C0008780, MONDO:0016575, HP:0012265.

Submission:

Labcorp Genetics (formerly Invitae), Labcorp
Classification: Pathogenic for Primary ciliary dyskinesia. Last evaluated: 2021-10-24. Review status: criteria provided, single submitter. Criteria: Invitae Variant Classification Sherloc (09022015). Collection method: clinical testing. Allele origin: germline.
Comment: This sequence change creates a premature translational stop signal (p.Lys83Argfs*20) in the DNAI2 gene. It is expected to result in an absent or disrupted protein product. Loss-of-function variants in DNAI2 are known to be pathogenic (PMID: 18950741, 23891469). This variant is not present in population databases (gnomAD no frequency). This variant has not been reported in the literature in individuals affected with DNAI2-related conditions. For these reasons, this variant has been classified as Pathogenic.

Literature cited by the submitters: PubMed 18950741; PubMed 23891469.